The following is an entry in ClinVar:

ClinVar aggregate classification (germline): Uncertain significance (1 of 4 stars; one submission).

Submission:

Mayo Clinic Laboratories, Mayo Clinic
Classification: Uncertain significance. Last evaluated: 2024-05-14. Review status: criteria provided, single submitter. Criteria: ACMG Guidelines, 2015. Collection method: clinical testing. Allele origin: germline. Observed: 1 variant allele.
Comment: BP4, PM2

NM_000064.4(C3):c.2152G>A (p.Glu718Lys)

Gene: C3 (complement C3; minus strand). Cytogenetic location: 19p13.3.
Variant type: single nucleotide variant.
Coding change: c.2152G>A on transcript NM_000064.4 (MANE Select); coding-DNA position 2152, G replaced by A.
Protein change: p.Glu718Lys; replaces glutamic acid 718 with lysine.
Molecular consequence: missense variant.
Genome position (GRCh38, 1-based): chr19:6,707,169, C>T on the plus strand (G>A on the coding strand, the complement: C3 is on the minus strand). VCF-style: chr19-6707169-C-T. GRCh37 (hg19) VCF-style: chr19-6707180-C-T.
Other names: p.Glu718Lys; short protein forms E718K.
Identifiers: ClinVar variation 3380567 (VCV003380567.1).